The following is an entry in ClinVar:

NM_181552.4(CUX1):c.135T>G (p.Thr45=)

Gene: CUX1 (cut like homeobox 1; plus strand). Cytogenetic location: 7q22.1.
Variant type: single nucleotide variant.
Coding change: c.135T>G on transcript NM_181552.4 (MANE Select); coding-DNA position 135, T replaced by G.
Protein change: p.Thr45=; no amino-acid change (threonine 45 retained).
Molecular consequence: synonymous variant. On other transcripts: intron variant (1).
Genome position (GRCh38, 1-based): chr7:101,916,219, T>G. VCF-style: chr7-101916219-T-G. GRCh37 (hg19) VCF-style: chr7-101559499-T-G.
Other names: c.168T>G, p.Thr56= (NM_001202543.2, NM_001202544.3, NM_001202545.3 and 2 more transcripts); c.63+100126T>G (NM_001202546.3).
Identifiers: ClinVar variation 5040439 (VCV005040439.1).

ClinVar aggregate classification (germline): Likely benign (1 of 4 stars; one submission).

Submission:

CeGaT Center for Human Genetics Tuebingen
Classification: Likely benign. Last evaluated: 2026-08-01. Review status: criteria provided, single submitter. Criteria: CeGaT Center For Human Genetics Tuebingen Variant Classification Criteria Version 2. Collection method: clinical testing. Allele origin: germline. Affected: yes. Observed: 1 variant allele.
Comment: CUX1: BP4, BP7